The following is an entry in ClinVar:

NM_015599.3(PGM3):c.230A>T (p.Asp77Val)

Gene: PGM3 (phosphoglucomutase 3; minus strand). Cytogenetic location: 6q14.1.
Variant type: single nucleotide variant.
Coding change: c.230A>T on transcript NM_015599.3 (MANE Select); coding-DNA position 230, A replaced by T.
Protein change: p.Asp77Val; replaces aspartic acid 77 with valine.
Molecular consequence: missense variant. On other transcripts: 5 prime UTR variant (1), non-coding transcript variant (1).
Genome position (GRCh38, 1-based): chr6:83,188,773, T>A on the plus strand (A>T on the coding strand, the complement: PGM3 is on the minus strand). VCF-style: chr6-83188773-T-A. GRCh37 (hg19) VCF-style: chr6-83898492-T-A.
Other names: c.314A>T, p.Asp105Val (NM_001199917.2, NM_001367287.1); c.-14A>T (NM_001199918.2); c.230A>T, p.Asp77Val (NM_001199919.2, NM_001367286.1); short protein forms D105V, D77V.
Identifiers: ClinVar variation 1007415 (VCV001007415.8), dbSNP rs1788806780, ClinGen allele CA364852384.
Genomic context (GRCh38, chr6:83,188,773, plus strand): 5'-GCATTTGCTAAACAGGTGGCATGTTCCTCCCAGGATGGTGCCAACATTTCACCCAAAGGA[T>A]CAACCAATTTTACACCATTGTCTTCCTTAAAAGAAAAACAAACAATAAGCAATCTGTGCA-3'
Protein context (NP_056414.1, residues 67-87): PEEDNGVKLV[Asp77Val]PLGEMLAPSW

ClinVar aggregate classification (germline): Uncertain significance (1 of 4 stars; one submission).

Conditions:
Immunodeficiency 23 (IMD23). Also called: IMMUNODEFICIENCY WITH HYPER IgE AND COGNITIVE IMPAIRMENT; IMMUNODEFICIENCY-VASCULITIS-MYOCLONUS SYNDROME. Identifiers: Orphanet 443811, MedGen C4014371, MONDO:0014353, OMIM 615816.

Submission:

Labcorp Genetics (formerly Invitae), Labcorp
Classification: Uncertain significance for Immunodeficiency 23. Last evaluated: 2020-08-24. Review status: criteria provided, single submitter. Criteria: Invitae Variant Classification Sherloc (09022015). Collection method: clinical testing. Allele origin: germline.
Comment: This sequence change replaces aspartic acid with valine at codon 105 of the PGM3 protein (p.Asp105Val). The aspartic acid residue is highly conserved and there is a large physicochemical difference between aspartic acid and valine. This variant is not present in population databases (ExAC no frequency). This variant has not been reported in the literature in individuals with PGM3-related conditions. Algorithms developed to predict the effect of missense changes on protein structure and function (SIFT, PolyPhen-2, Align-GVGD) all suggest that this variant is likely to be disruptive, but these predictions have not been confirmed by published functional studies and their clinical significance is uncertain. In summary, the available evidence is currently insufficient to determine the role of this variant in disease. Therefore, it has been classified as a Variant of Uncertain Significance.